The following is an entry in ClinVar:

NM_001267550.2(TTN):c.62611C>G (p.Leu20871Val)

Genes: TTN (titin; minus strand), TTN-AS1 (TTN antisense RNA 1; plus strand). Cytogenetic location: 2q31.2.
Variant type: single nucleotide variant.
Coding change: c.62611C>G on transcript NM_001267550.2 (MANE Select); coding-DNA position 62611, C replaced by G.
Protein change: p.Leu20871Val; replaces leucine 20871 with valine.
Molecular consequence: missense variant.
Genome position (GRCh38, 1-based): chr2:178,589,114, G>C on the plus strand (C>G on the coding strand, the complement: TTN is on the minus strand). VCF-style: chr2-178589114-G-C. GRCh37 (hg19) VCF-style: chr2-179453841-G-C.
Other names: c.57688C>G, p.Leu19230Val (NM_001256850.1); c.35416C>G, p.Leu11806Val (NM_003319.4); c.54907C>G, p.Leu18303Val (NM_133378.4); c.35791C>G, p.Leu11931Val (NM_133432.3); c.35992C>G, p.Leu11998Val (NM_133437.4); short protein forms L11806V, L20871V, L19230V, L18303V, L11931V, L11998V.
Identifiers: ClinVar variation 518759 (VCV000518759.15), dbSNP rs767670018, ClinGen allele CA1992201.

ClinVar aggregate classification (germline): Conflicting classifications of pathogenicity. Review status: criteria provided, conflicting classifications (1 of 4 stars). 9 submissions from 5 submitters: Uncertain significance (6); Likely benign (3). Last evaluated 2025-11-10.

Conditions:
Myopathy, myofibrillar, 9, with early respiratory failure (MFM9). Also called: Hereditary myopathy with early respiratory failure; EDSTROM MYOPATHY; MYOPATHY, PROXIMAL, WITH EARLY RESPIRATORY MUSCLE INVOLVEMENT; Myopathy, distal, with early respiratory failure, autosomal dominant. Identifiers: Orphanet 178464, Orphanet 34521, MedGen C1863599, MONDO:0011362, OMIM 603689.
Autosomal recessive limb-girdle muscular dystrophy type 2J (LGMDR10). Also called: Limb-girdle muscular dystrophy, type 2J; MUSCULAR DYSTROPHY, LIMB-GIRDLE, AUTOSOMAL RECESSIVE 10. Identifiers: Orphanet 140922, MedGen C1837342, MONDO:0012127, OMIM 608807.
Dilated cardiomyopathy 1G (CMD1G). Identifiers: Orphanet 154, MedGen C1858763, MONDO:0011400, OMIM 604145.
Tibial muscular dystrophy (TMD). Also called: Udd Distal Myopathy – Tibial Muscular Dystrophy; UDD MYOPATHY; Tibial muscular dystrophy, tardive. Identifiers: Orphanet 609, MedGen C1838244, MONDO:0010870, OMIM 600334.
Cardiovascular phenotype. Identifiers: MedGen CN230736.
TTN-related disorder. Also called: TTN-related condition; TTN-related disease; TTN-related disorders.
Early-onset myopathy with fatal cardiomyopathy (CMYO5). Also called: Salih Myopathy; CONGENITAL MYOPATHY 5 WITH CARDIOMYOPATHY. Identifiers: Orphanet 289377, MedGen C2673677, MONDO:0012714, OMIM 611705. Disease mechanism: loss of function.

Allele frequency attached by ClinVar (database versions not stated): TOPMed 0.00001; gnomAD exomes 0.00003; ExAC 0.00005.
gnomAD v4.1: 107 of 1,611,728 alleles (0.0066%); highest among the groups gnomAD compares: Non-Finnish European, 0.0088%; no homozygotes.

Submissions (9):

PreventionGenetics, part of Exact Sciences
Classification: Uncertain significance for TTN-related condition. Last evaluated: 2025-11-10. Review status: criteria provided, single submitter. Criteria: ACMG Guidelines, 2015. Collection method: clinical testing. Allele origin: germline.
Comment: The TTN c.62611C>G variant is predicted to result in the amino acid substitution p.Leu20871Val. This variant has been reported in two individuals with hypertrophic cardiomyopathy; however, one individual also carried an additional variant that could explain the phenotype (referred to as NM_003319:c.C35416G:p.L11806V, Table S1, Table S4, Lopes et al. 2013. PubMed ID: 23396983). This variant is reported in 0.0065% of alleles in individuals of African descent in gnomAD. At this time, the clinical significance of this variant is uncertain due to the absence of conclusive functional and genetic evidence.

Women's Health and Genetics/Laboratory Corporation of America, LabCorp
Classification: Uncertain significance. Last evaluated: 2025-04-15. Review status: criteria provided, single submitter. Criteria: LabCorp Variant Classification Summary - May 2015. Collection method: clinical testing. Allele origin: germline.
Comment: Variant summary: TTN c.54907C>G (p.Leu18303Val) results in a conservative amino acid change located in the A-band region of the encoded protein sequence. Three of four in-silico tools predict a benign effect of the variant on protein function. The variant allele was found at a frequency of 6.7e-05 in 1604734 control chromosomes, predominantly at a frequency of 8.8e-05 within the Non-Finnish European subpopulation in the gnomAD database. This frequency is not higher than the maximum estimated for a pathogenic variant in TTN causing Dilated Cardiomyopathy (0.00039), allowing no conclusion about variant significance. The variant, c.54907C>G, has been observed in individuals affected with hypertrophic cardiomyopathy (Lopes_2013), however at least one of these patients carried another variant in a different gene, which could explain the phenotye. These report(s) do not provide unequivocal conclusions about association of the variant with Dilated Cardiomyopathy. To our knowledge, no experimental evidence demonstrating an impact on protein function has been reported. The following publication have been ascertained in the context of this evaluation (PMID: 23396983). ClinVar contains an entry for this variant (Variation ID: 518759). Based on the evidence outlined above, the variant was classified as uncertain significance.

GeneDx
Classification: Likely benign. Last evaluated: 2019-01-25. Review status: criteria provided, single submitter. Criteria: GeneDx Variant Classification Process June 2021. Collection method: clinical testing. Allele origin: germline. Affected: yes.
Comment: This variant is associated with the following publications: (PMID: 23396983)

Illumina Laboratory Services, Illumina
Classification: Uncertain significance for Dilated cardiomyopathy 1G. Last evaluated: 2018-01-13. Review status: criteria provided, single submitter. Criteria: ICSL Variant Classification Criteria 13 December 2019. Collection method: clinical testing. Allele origin: germline.

Illumina Laboratory Services, Illumina
Classification: Likely benign for Tibial muscular dystrophy. Last evaluated: 2018-01-13. Review status: criteria provided, single submitter. Criteria: ICSL Variant Classification Criteria 13 December 2019. Collection method: clinical testing. Allele origin: germline.
Comment: This variant was observed in the ICSL laboratory as part of a predisposition screen in an ostensibly healthy population. It had not been previously curated by ICSL or reported in the Human Gene Mutation Database (HGMD: prior to June 1st, 2018), and was therefore a candidate for classification through an automated scoring system. Utilizing variant allele frequency, disease prevalence and penetrance estimates, and inheritance mode, an automated score was calculated to assess if this variant is too frequent to cause the disease. Based on the score and internal cut-off values, a variant classified as likely benign is not then subjected to further curation. The score for this variant resulted in a classification of likely benign for this disease.

Illumina Laboratory Services, Illumina
Classification: Uncertain significance for Early-onset myopathy with fatal cardiomyopathy. Last evaluated: 2018-01-13. Review status: criteria provided, single submitter. Criteria: ICSL Variant Classification Criteria 13 December 2019. Collection method: clinical testing. Allele origin: germline.

Illumina Laboratory Services, Illumina
Classification: Likely benign for Myopathy, myofibrillar, 9, with early respiratory failure. Last evaluated: 2018-01-13. Review status: criteria provided, single submitter. Criteria: ICSL Variant Classification Criteria 13 December 2019. Collection method: clinical testing. Allele origin: germline.
Comment: the same text as in the submission from Illumina Laboratory Services, Illumina above.

Illumina Laboratory Services, Illumina
Classification: Uncertain significance for Autosomal recessive limb-girdle muscular dystrophy type 2J. Last evaluated: 2018-01-13. Review status: criteria provided, single submitter. Criteria: ICSL Variant Classification Criteria 13 December 2019. Collection method: clinical testing. Allele origin: germline.

Ambry Genetics
Classification: Uncertain significance for Cardiovascular phenotype. Last evaluated: 2017-12-12. Review status: criteria provided, single submitter. Criteria: Ambry Variant Classification Scheme 2023. Collection method: clinical testing. Allele origin: germline.
Comment: The p.L11806V variant (also known as c.35416C>G), located in coding exon 131 of the TTN gene, results from a C to G substitution at nucleotide position 35416. The leucine at codon 11806 is replaced by valine, an amino acid with highly similar properties. This variant has been reported in a hypertrophic cardiomyopathy cohort; however, clinical details were limited, and the variant co-occurred with additional alterations in other cardiac-related genes (Lopes LR et al. J. Med. Genet., 2013 Apr;50:228-39). This amino acid position is well conserved in available vertebrate species. In addition, this alteration is predicted to be tolerated by in silico analysis. Since supporting evidence is limited at this time, the clinical significance of this alteration remains unclear.

Literature cited by the submitters: PubMed 23396983 (cited by Women's Health and Genetics/Laboratory Corporation of America, LabCorp and Ambry Genetics).